The following is an entry in ClinVar:

ClinVar aggregate classification (germline): Benign/Likely benign. Review status: criteria provided, multiple submitters, no conflicts (2 of 4 stars). 2 submissions from 2 submitters: Benign (1); Likely benign (1). Last evaluated 2025-04-08.

Conditions:
Tuberous sclerosis 1 (TSC1). Identifiers: Orphanet 805, MedGen C1854465, MONDO:0008612, OMIM 191100.
Hereditary cancer-predisposing syndrome. Also called: Hereditary Cancer Syndrome; Hereditary neoplastic syndrome; Neoplastic Syndromes, Hereditary; Tumor predisposition. Identifiers: Orphanet 140162, MedGen C0027672, MeSH D009386, MONDO:0015356.

Submissions (2):

Myriad Genetics, Inc.
Classification: Benign for Tuberous sclerosis 1. Last evaluated: 2025-04-08. Review status: criteria provided, single submitter. Criteria: Myriad Autosomal Dominant, Autosomal Recessive and X-Linked Classification Criteria (2023). Collection method: clinical testing. Allele origin: unknown.
Comment: This variant is considered benign. This variant is a silent/synonymous amino acid change and it is not expected to impact splicing.

Ambry Genetics
Classification: Likely benign for Hereditary cancer-predisposing syndrome. Last evaluated: 2024-08-31. Review status: criteria provided, single submitter. Criteria: Ambry Variant Classification Scheme 2023. Collection method: clinical testing. Allele origin: germline.

NM_000368.5(TSC1):c.801A>C (p.Thr267=)

Gene: TSC1 (TSC complex subunit 1; minus strand). Cytogenetic location: 9q34.13.
Variant type: single nucleotide variant.
Coding change: c.801A>C on transcript NM_000368.5 (MANE Select); coding-DNA position 801, A replaced by C.
Protein change: p.Thr267=; no amino-acid change (threonine 267 retained).
Molecular consequence: synonymous variant. On other transcripts: 5 prime UTR variant (5), non-coding transcript variant (5).
Genome position (GRCh38, 1-based): chr9:132,912,394, T>G on the plus strand (A>C on the coding strand, the complement: TSC1 is on the minus strand). VCF-style: chr9-132912394-T-G. GRCh37 (hg19) VCF-style: chr9-135787781-T-G.
Other names: c.801A>C, p.Thr267= (NM_001162426.2, NM_001406592.1, NM_001406593.1 and 16 more transcripts); c.648A>C, p.Thr216= (NM_001162427.2, NM_001406610.1, NM_001406611.1 and 2 more transcripts); c.438A>C, p.Thr146= (NM_001362177.2, NM_001406614.1, NM_001406615.1 and 10 more transcripts); c.-151A>C (NM_001406626.1, NM_001406627.1, NM_001406628.1); c.-293A>C (NM_001406629.1, NM_001406630.1).
Identifiers: ClinVar variation 3462464 (VCV003462464.2).
Genomic context (GRCh38, chr9:132,912,394, plus strand): 5'-ATGAGGAAAGCGGGCTGAGATTTGGTGAGACACAGAATAGCCATCTTCATATGAGGCTTC[T>G]GTGGGATCCAGAGAGATTTTGGCACACTCGATCACAACATCATGAGTTTCTAATCTCTTC-3'
Protein context (NP_000359.1, residues 257-277): IECAKISLDP[Thr267=]EASYEDGYSV